The following is an entry in ClinVar:

NM_001903.5(CTNNA1):c.1546+6del

Gene: CTNNA1 (catenin alpha 1; plus strand). Cytogenetic location: 5q31.2.
Variant type: Deletion.
Coding change: c.1546+6del on transcript NM_001903.5 (MANE Select); 6 bases into the intron after coding-DNA position 1546, one base deleted (G; older notation c.1546+6delG).
Molecular consequence: intron variant.
Genome position (GRCh38, 1-based): chr5:138,917,904, G deleted. VCF-style (leftmost placement, unchanged base first): chr5-138917903-TG-T. GRCh37 (hg19) VCF-style: chr5-138253592-TG-T.
Other names: c.1546+6del (NM_001323982.2, NM_001323984.2, NM_001290307.3 and 2 more transcripts); c.1453+6del (NM_001323986.2); c.1177+6del (NM_001290310.3); c.1237+6del (NM_001290309.3); c.436+6del (NM_001323996.1, NM_001323993.1, NM_001324005.1 and 17 more transcripts); c.97+6del (NM_001324007.1, NM_001324009.1, NM_001324006.1 and 2 more transcripts); c.193+6del (NM_001324013.1, NM_001324012.1); c.343+6del (NM_001324011.1).
Identifiers: ClinVar variation 2105251 (VCV002105251.4), dbSNP rs2533592720, ClinGen allele CA2580072886.

ClinVar aggregate classification (germline): Uncertain significance (1 of 4 stars; one submission).

Submission:

Labcorp Genetics (formerly Invitae), Labcorp
Classification: Uncertain significance. Last evaluated: 2022-03-04. Review status: criteria provided, single submitter. Criteria: Invitae Variant Classification Sherloc (09022015). Collection method: clinical testing. Allele origin: germline.
Comment: In summary, the available evidence is currently insufficient to determine the role of this variant in disease. Therefore, it has been classified as a Variant of Uncertain Significance. Variants that disrupt the consensus splice site are a relatively common cause of aberrant splicing (PMID: 17576681, 9536098). Algorithms developed to predict the effect of sequence changes on RNA splicing suggest that this variant is not likely to affect RNA splicing. This sequence change falls in intron 11 of the CTNNA1 gene. It does not directly change the encoded amino acid sequence of the CTNNA1 protein. It affects a nucleotide within the consensus splice site. This variant is not present in population databases (gnomAD no frequency). This variant has not been reported in the literature in individuals affected with CTNNA1-related conditions.

Literature cited by the submitters: PubMed 17576681; PubMed 9536098.